The following is an entry in ClinVar:

NM_025114.4(CEP290):c.1400del (p.Asn467fs)

Gene: CEP290 (centrosomal protein 290; minus strand). Cytogenetic location: 12q21.32.
Variant type: Deletion.
Coding change: c.1400del on transcript NM_025114.4 (MANE Select); coding-DNA position 1400, one base deleted (A; older notation c.1400delA).
Protein change: p.Asn467fs; shifts the reading frame from asparagine 467.
Molecular consequence: frameshift variant.
Genome position (GRCh38, 1-based): chr12:88,120,236, T deleted on the plus strand (A on the coding strand, the reverse complement: CEP290 is on the minus strand); the first of 2 consecutive T bases (chr12:88,120,236-88,120,237); deleting either gives the same sequence. VCF-style (leftmost placement, unchanged base first): chr12-88120235-AT-A. GRCh37 (hg19) VCF-style: chr12-88514012-AT-A.
Other names: short protein forms N467fs.
Identifiers: ClinVar variation 1068974 (VCV001068974.7), dbSNP rs2137903965, ClinGen allele CA2499221898.

ClinVar aggregate classification (germline): Pathogenic (1 of 4 stars; one submission).

Conditions:
Joubert syndrome. Also called: Familial aplasia of the vermis; CEREBELLOPARENCHYMAL DISORDER IV; JOUBERT-BOLTSHAUSER SYNDROME. Identifiers: Orphanet 475, MedGen C5979921, MONDO:0018772.
Meckel-Gruber syndrome. Also called: Dysencephalia splachnocystica; DYSENCEPHALIA SPLANCHNOCYSTICA; GRUBER SYNDROME. Identifiers: Orphanet 564, MedGen C0265215, MONDO:0018921.
Nephronophthisis. Also called: Juvenile Nephronophthisis. Identifiers: Orphanet 655, MedGen C0687120, MONDO:0019005, HP:0000090.

Submission:

Labcorp Genetics (formerly Invitae), Labcorp
Classification: Pathogenic for Joubert syndrome; Meckel-Gruber syndrome; Nephronophthisis. Last evaluated: 2020-09-13. Review status: criteria provided, single submitter. Criteria: Invitae Variant Classification Sherloc (09022015). Collection method: clinical testing. Allele origin: germline.
Comment: This sequence change creates a premature translational stop signal (p.Asn467Ilefs*8) in the CEP290 gene. It is expected to result in an absent or disrupted protein product. This variant is not present in population databases (ExAC no frequency). This variant has not been reported in the literature in individuals with CEP290-related conditions. Loss-of-function variants in CEP290 are known to be pathogenic (PMID: 16909394, 17345604, 20690115, 25377065, 28559085). For these reasons, this variant has been classified as Pathogenic.

Literature cited by the submitters: PubMed 16909394; PubMed 17345604; PubMed 20690115; PubMed 25377065; PubMed 28559085.